The following is an entry in ClinVar:

NM_173076.3(ABCA12):c.*310A>G

Genes: ABCA12 (ATP binding cassette subfamily A member 12; minus strand), SNHG31 (small nucleolar RNA host gene 31; plus strand). Cytogenetic location: 2q35.
Variant type: single nucleotide variant.
Coding change: c.*310A>G on transcript NM_173076.3 (MANE Select); 310 bases downstream of the stop codon, A replaced by G.
Molecular consequence: 3 prime UTR variant. On other transcripts: non-coding transcript variant (1).
Genome position (GRCh38, 1-based): chr2:214,932,324, T>C on the plus strand (A>G on the coding strand, the complement: ABCA12 is on the minus strand). VCF-style: chr2-214932324-T-C. GRCh37 (hg19) VCF-style: chr2-215797048-T-C.
Other names: c.*310A>G (NM_015657.4).
Identifiers: ClinVar variation 334217 (VCV000334217.5), dbSNP rs368041060, ClinGen allele CA10614093.

ClinVar aggregate classification (germline): Benign (1 of 4 stars; one submission).

Conditions:
Congenital ichthyosis of skin. Identifiers: MedGen C0020758.

Allele frequency attached by ClinVar (database versions not stated): gnomAD 0.00002 and 0.00083; TOPMed 0.00008; gnomAD exomes 0.00307; 1000 Genomes Project 30x 0.00547; 1000 Genomes Project 0.00599.
gnomAD v4.1: 580 of 305,556 alleles (0.19%); highest among the groups gnomAD compares: South Asian, 2.1%; 9 homozygotes.

Submission:

Illumina Laboratory Services, Illumina
Classification: Benign for Congenital ichthyosis of skin. Last evaluated: 2018-01-13. Review status: criteria provided, single submitter. Criteria: ICSL Variant Classification Criteria 13 December 2019. Collection method: clinical testing. Allele origin: germline.
Comment: This variant was observed in the ICSL laboratory as part of a predisposition screen in an ostensibly healthy population. It had not been previously curated by ICSL or reported in the Human Gene Mutation Database (HGMD: prior to June 1st, 2018), and was therefore a candidate for classification through an automated scoring system. Utilizing variant allele frequency, disease prevalence and penetrance estimates, and inheritance mode, an automated score was calculated to assess if this variant is too frequent to cause the disease. Based on the score and internal cut-off values, a variant classified as benign is not then subjected to further curation. The score for this variant resulted in a classification of benign for this disease.